The following is an entry in ClinVar:

NM_000642.3(AGL):c.3622A>G (p.Met1208Val)

Gene: AGL (amylo-alpha-1,6-glucosidase and 4-alpha-glucanotransferase; plus strand). Cytogenetic location: 1p21.2.
Variant type: single nucleotide variant.
Coding change: c.3622A>G on transcript NM_000642.3 (MANE Select); coding-DNA position 3622, A replaced by G.
Protein change: p.Met1208Val; replaces methionine 1208 with valine.
Molecular consequence: missense variant.
Genome position (GRCh38, 1-based): chr1:99,902,716, A>G. VCF-style: chr1-99902716-A-G. GRCh37 (hg19) VCF-style: chr1-100368272-A-G.
Other names: c.3622A>G, p.Met1208Val (NM_000028.3, NM_000643.3, NM_000644.3 and 1 more transcripts); c.3574A>G, p.Met1192Val (NM_000646.3); c.3601A>G, p.Met1201Val (NM_001425326.1); c.3421A>G, p.Met1141Val (NM_001425327.1); c.3418A>G, p.Met1140Val (NM_001425328.1); c.3283A>G, p.Met1095Val (NM_001425329.1); c.3244A>G, p.Met1082Val (NM_001425332.1); short protein forms M1192V, M1208V, M1082V, M1095V, M1140V, M1141V, M1201V.
Identifiers: ClinVar variation 2181535 (VCV002181535.1), dbSNP rs2523734733, ClinGen allele CA341334473.

ClinVar aggregate classification (germline): Uncertain significance (1 of 4 stars; one submission).

Conditions:
Glycogen storage disease type III (GSD3). Also called: FORBES DISEASE; Cori disease. Identifiers: Orphanet 366, MedGen C0017922, MONDO:0009291, OMIM 232400.

Allele frequency attached by ClinVar (database versions not stated): gnomAD exomes 0.00001.

Submission:

Labcorp Genetics (formerly Invitae), Labcorp
Classification: Uncertain significance for Glycogen storage disease type III. Last evaluated: 2022-06-29. Review status: criteria provided, single submitter. Criteria: Invitae Variant Classification Sherloc (09022015). Collection method: clinical testing. Allele origin: germline.
Comment: This sequence change replaces methionine, which is neutral and non-polar, with valine, which is neutral and non-polar, at codon 1208 of the AGL protein (p.Met1208Val). This variant is not present in population databases (gnomAD no frequency). This variant has not been reported in the literature in individuals affected with AGL-related conditions. Algorithms developed to predict the effect of missense changes on protein structure and function are either unavailable or do not agree on the potential impact of this missense change (SIFT: "Deleterious"; PolyPhen-2: "Benign"; Align-GVGD: "Class C0"). In summary, the available evidence is currently insufficient to determine the role of this variant in disease. Therefore, it has been classified as a Variant of Uncertain Significance.